The following is an entry in ClinVar:

NM_001378615.1(CC2D2A):c.4808C>G (p.Pro1603Arg)

Genes: CC2D2A (coiled-coil and C2 domain containing 2A; plus strand), FBXL5 (F-box and leucine rich repeat protein 5; minus strand). Cytogenetic location: 4p15.32.
Variant type: single nucleotide variant.
Coding change: c.4808C>G on transcript NM_001378615.1 (MANE Select); coding-DNA position 4808, C replaced by G.
Protein change: p.Pro1603Arg; replaces proline 1603 with arginine.
Molecular consequence: missense variant.
Genome position (GRCh38, 1-based): chr4:15,601,370, C>G. VCF-style: chr4-15601370-C-G. GRCh37 (hg19) VCF-style: chr4-15602993-C-G.
Other names: c.4808C>G, p.Pro1603Arg (NM_001080522.2); c.4661C>G, p.Pro1554Arg (NM_001378617.1); short protein forms P1554R, P1603R.
Identifiers: ClinVar variation 1358193 (VCV001358193.8), dbSNP rs2148497490, ClinGen allele CA356436880.
Genomic context (GRCh38, chr4:15,601,370, plus strand): 5'-TACATAATATTGATGTTCCTAATGTTGAATTTGCTTTAGCTGTATACATACACCCATACC[C>G]CAAAAATGTTTTGTCTGTTTGGATCTATGTTGCCTCTCTTATACGCAACAGGTAATTTTT-3'
Protein context (NP_001365544.1, residues 1593-1613): FALAVYIHPY[Pro1603Arg]KNVLSVWIYV

ClinVar aggregate classification (germline): Uncertain significance (1 of 4 stars; one submission).

Conditions:
Joubert syndrome. Also called: JOUBERT-BOLTSHAUSER SYNDROME; Familial aplasia of the vermis. Identifiers: Orphanet 475, MedGen C5979921, MONDO:0018772.
Meckel-Gruber syndrome. Also called: DYSENCEPHALIA SPLANCHNOCYSTICA; GRUBER SYNDROME; Dysencephalia splachnocystica. Identifiers: Orphanet 564, MedGen C0265215, MONDO:0018921.

Submission:

Labcorp Genetics (formerly Invitae), Labcorp
Classification: Uncertain significance for Joubert syndrome; Meckel-Gruber syndrome. Last evaluated: 2025-09-08. Review status: criteria provided, single submitter. Criteria: Invitae Variant Classification Sherloc (09022015). Collection method: clinical testing. Allele origin: germline.
Comment: This sequence change replaces proline, which is neutral and non-polar, with arginine, which is basic and polar, at codon 1603 of the CC2D2A protein (p.Pro1603Arg). This variant is not present in population databases (gnomAD no frequency). This variant has not been reported in the literature in individuals affected with CC2D2A-related conditions. ClinVar contains an entry for this variant (Variation ID: 1358193). Invitae Evidence Modeling of protein sequence and biophysical properties (such as structural, functional, and spatial information, amino acid conservation, physicochemical variation, residue mobility, and thermodynamic stability) indicates that this missense variant is expected to disrupt CC2D2A protein function with a positive predictive value of 80%. In summary, the available evidence is currently insufficient to determine the role of this variant in disease. Therefore, it has been classified as a Variant of Uncertain Significance.